The following is an entry in ClinVar:

ClinVar aggregate classification (germline): Uncertain significance. Review status: criteria provided, multiple submitters, no conflicts (2 of 4 stars). 2 submissions from 2 submitters: Uncertain significance (2). Last evaluated 2024-11-30.

Conditions:
Glomerulopathy with fibronectin deposits 2 (GFND2). Identifiers: Orphanet 84090, MedGen C1866075, MONDO:0011165, OMIM 601894.
Spondylometaphyseal dysplasia - Sutcliffe type. Also called: Sutcliffe type of spondylometaphyseal dysplasia; Sutcliffe SMD; Spondylometaphyseal dysplasia, 'corner fracture' type; Spondylometaphyseal Dysplasia, Corner Fracture Type. Identifiers: Orphanet 93315, MedGen C0432221, MONDO:0008479, OMIM 184255.

gnomAD v4.1: 70 of 1,613,516 alleles (0.0043%); highest among the groups gnomAD compares: Non-Finnish European, 0.0059%; no homozygotes.

Submissions (2):

Labcorp Genetics (formerly Invitae), Labcorp
Classification: Uncertain significance. Last evaluated: 2024-11-30. Review status: criteria provided, single submitter. Criteria: Invitae Variant Classification Sherloc (09022015). Collection method: clinical testing. Allele origin: germline.
Comment: This sequence change replaces proline, which is neutral and non-polar, with serine, which is neutral and polar, at codon 647 of the FN1 protein (p.Pro647Ser). This variant is present in population databases (no rsID available, gnomAD 0.002%). This variant has not been reported in the literature in individuals affected with FN1-related conditions. An algorithm developed to predict the effect of missense changes on protein structure and function (PolyPhen-2) suggests that this variant is likely to be disruptive. In summary, the available evidence is currently insufficient to determine the role of this variant in disease. Therefore, it has been classified as a Variant of Uncertain Significance.

Fulgent Genetics
Classification: Uncertain significance for Spondylometaphyseal dysplasia - Sutcliffe type; Glomerulopathy with fibronectin deposits 2. Last evaluated: 2024-01-29. Review status: criteria provided, single submitter. Criteria: ACMG Guidelines, 2015. Collection method: clinical testing. Allele origin: germline.

NM_212482.4(FN1):c.1939C>T (p.Pro647Ser)

Gene: FN1 (fibronectin 1; minus strand). Cytogenetic location: 2q35.
Variant type: single nucleotide variant.
Coding change: c.1939C>T on transcript NM_212482.4 (MANE Select); coding-DNA position 1939, C replaced by T.
Protein change: p.Pro647Ser; replaces proline 647 with serine.
Molecular consequence: missense variant.
Genome position (GRCh38, 1-based): chr2:215,414,839, G>A on the plus strand (C>T on the coding strand, the complement: FN1 is on the minus strand). VCF-style: chr2-215414839-G-A. GRCh37 (hg19) VCF-style: chr2-216279562-G-A.
Other names: c.1939C>T, p.Pro647Ser (NM_001306129.2, NM_001306130.2, NM_001306131.2 and 14 more transcripts); short protein forms P647S.
Identifiers: ClinVar variation 3585530 (VCV003585530.3).